The following is an entry in ClinVar:

NM_000384.3(APOB):c.475G>A (p.Gly159Ser)

Gene: APOB (apolipoprotein B; minus strand). Cytogenetic location: 2p24.1.
Variant type: single nucleotide variant.
Coding change: c.475G>A on transcript NM_000384.3 (MANE Select); coding-DNA position 475, G replaced by A.
Protein change: p.Gly159Ser; replaces glycine 159 with serine.
Molecular consequence: missense variant.
Genome position (GRCh38, 1-based): chr2:21,038,020, C>T on the plus strand (G>A on the coding strand, the complement: APOB is on the minus strand). VCF-style: chr2-21038020-C-T. GRCh37 (hg19) VCF-style: chr2-21260892-C-T.
Other names: short protein forms G159S.
Identifiers: ClinVar variation 3416808 (VCV003416808.3).

ClinVar aggregate classification (germline): Uncertain significance. Review status: criteria provided, multiple submitters, no conflicts (2 of 4 stars). 3 submissions from 3 submitters: Uncertain significance (3). Last evaluated 2026-03-07.

Conditions:
Cardiovascular phenotype. Identifiers: MedGen CN230736.
Hypercholesterolemia, autosomal dominant, type B (FHCL2). Also called: APOB-Related Familial Hypercholesterolemia, Autosomal Dominant; Familial Hypercholesterolemia Type B; APOLIPOPROTEIN B-100, FAMILIAL DEFECTIVE; APOLIPOPROTEIN B-100, FAMILIAL LIGAND-DEFECTIVE; Familial hypercholesterolemia 2; HYPERCHOLESTEROLEMIA, FAMILIAL, DUE TO LIGAND-DEFECTIVE APOLIPOPROTEIN B. Identifiers: MedGen C1704417, MONDO:0007751, OMIM 144010.
Familial hypobetalipoproteinemia 1. Also called: APOB-Related Familial Hypobetalipoproteinemia; Hypobetalipoproteinemia, normotriglyceridemic; Acanthocytosis with hypobetalipoproteinemia. Identifiers: MedGen C4551990, MONDO:0014252, OMIM 615558.

Submissions (3):

GeneDx
Classification: Uncertain significance. Last evaluated: 2026-03-07. Review status: criteria provided, single submitter. Criteria: GeneDx Variant Classification Process June 2021. Collection method: clinical testing. Allele origin: germline.
Comment: Not observed at significant frequency in large population cohorts (gnomAD); In silico analysis supports that this missense variant has a deleterious effect on protein structure/function; Has not been previously published as pathogenic or benign to our knowledge

Labcorp Genetics (formerly Invitae), Labcorp
Classification: Uncertain significance for Familial hypobetalipoproteinemia 1; Hypercholesterolemia, autosomal dominant, type B. Last evaluated: 2025-10-17. Review status: criteria provided, single submitter. Criteria: Invitae Variant Classification Sherloc (09022015). Collection method: clinical testing. Allele origin: germline.
Comment: This sequence change replaces glycine, which is neutral and non-polar, with serine, which is neutral and polar, at codon 159 of the APOB protein (p.Gly159Ser). This variant is present in population databases (rs765369786, gnomAD 0.0009%). This variant has not been reported in the literature in individuals affected with APOB-related conditions. ClinVar contains an entry for this variant (Variation ID: 3416808). Invitae Evidence Modeling of protein sequence and biophysical properties (such as structural, functional, and spatial information, amino acid conservation, physicochemical variation, residue mobility, and thermodynamic stability) indicates that this missense variant is not expected to disrupt APOB protein function with a negative predictive value of 95%. In summary, the available evidence is currently insufficient to determine the role of this variant in disease. Therefore, it has been classified as a Variant of Uncertain Significance.

Ambry Genetics
Classification: Uncertain significance for Cardiovascular phenotype. Last evaluated: 2024-07-27. Review status: criteria provided, single submitter. Criteria: Ambry Variant Classification Scheme 2023. Collection method: clinical testing. Allele origin: germline.